The following is an entry in ClinVar:

NM_152296.5(ATP1A3):c.2885C>A (p.Pro962His)

Gene: ATP1A3 (ATPase Na+/K+ transporting subunit alpha 3; minus strand). Cytogenetic location: 19q13.2.
Variant type: single nucleotide variant.
Coding change: c.2885C>A on transcript NM_152296.5 (MANE Select); coding-DNA position 2885, C replaced by A.
Protein change: p.Pro962His; replaces proline 962 with histidine.
Molecular consequence: missense variant.
Genome position (GRCh38, 1-based): chr19:41,967,698, G>T on the plus strand (C>A on the coding strand, the complement: ATP1A3 is on the minus strand). VCF-style: chr19-41967698-G-T. GRCh37 (hg19) VCF-style: chr19-42471850-G-T.
Other names: c.2918C>A, p.Pro973His (NM_001256213.2); c.2924C>A, p.Pro975His (NM_001256214.2); short protein forms P962H, P973H, P975H.
Identifiers: ClinVar variation 426463 (VCV000426463.12), dbSNP rs145179304, ClinGen allele CA308584673.
Genomic context (GRCh38, chr19:41,967,698, plus strand): 5'-GGCTGGGGGCAGCGGGGCACTCACTTGAGAGGGTACATGCGCAGGGCCACGTCCATGCCG[G>T]GGCAGTAGGACAGGAAGGCAGCCAGGGCCGTCTCCTCAAACAGCCCGAAGATCAGGATCT-3'
Protein context (NP_689509.1, residues 952-972): TALAAFLSYC[Pro962His]GMDVALRMYP

ClinVar aggregate classification (germline): Conflicting classifications of pathogenicity. Review status: criteria provided, conflicting classifications (1 of 4 stars). 4 submissions from 4 submitters: Likely pathogenic (1); Uncertain significance (3). Last evaluated 2025-11-08.

Conditions:
Dystonia 12 (DYT12). Also called: DYT-ATP1A3; Rapid-Onset Dystonia-Parkinsonism (RDP). Identifiers: Orphanet 71517, MedGen C1868681, MONDO:0007496, OMIM 128235.

Allele frequency attached by ClinVar (database versions not stated): gnomAD 0.00003 and 0.00004; TOPMed 0.00004; ESP Exome Variant Server 0.00008.
gnomAD v4.1: 9 of 1,613,934 alleles (0.00056%); highest among the groups gnomAD compares: Non-Finnish European, 0.00076%; no homozygotes.

Submissions (4):

Labcorp Genetics (formerly Invitae), Labcorp
Classification: Likely pathogenic for Dystonia 12. Last evaluated: 2025-11-08. Review status: criteria provided, single submitter. Criteria: Invitae Variant Classification Sherloc (09022015). Collection method: clinical testing. Allele origin: germline.
Comment: This sequence change replaces proline, which is neutral and non-polar, with histidine, which is basic and polar, at codon 962 of the ATP1A3 protein (p.Pro962His). This variant is present in population databases (rs145179304, gnomAD 0.007%). This missense change has been observed in individuals with clinical features of ATP1A3-related conditions (internal data). ClinVar contains an entry for this variant (Variation ID: 426463). Invitae Evidence Modeling of protein sequence and biophysical properties (such as structural, functional, and spatial information, amino acid conservation, physicochemical variation, residue mobility, and thermodynamic stability) indicates that this missense variant is expected to disrupt ATP1A3 protein function with a positive predictive value of 95%. In summary, the currently available evidence indicates that the variant is pathogenic, but additional data are needed to prove that conclusively. Therefore, this variant has been classified as Likely Pathogenic.

Revvity Omics, Revvity
Classification: Uncertain significance. Last evaluated: 2024-06-25. Review status: criteria provided, single submitter. Criteria: ACMG Guidelines, 2015. Collection method: clinical testing. Allele origin: germline.

GeneDx
Classification: Uncertain significance. Last evaluated: 2024-05-31. Review status: criteria provided, single submitter. Criteria: GeneDx Variant Classification Process June 2021. Collection method: clinical testing. Allele origin: germline. Affected: yes.
Comment: Observed in a patient with sudden cardiac arrest; however, additional clinical information and segregation information was not provided (PMID: 34459253); In silico analysis supports that this missense variant has a deleterious effect on protein structure/function; This variant is associated with the following publications: (PMID: 34459253)

Women's Health and Genetics/Laboratory Corporation of America, LabCorp
Classification: Uncertain significance. Last evaluated: 2023-09-08. Review status: criteria provided, single submitter. Criteria: LabCorp Variant Classification Summary - May 2015. Collection method: clinical testing. Allele origin: germline.
Comment: Variant summary: ATP1A3 c.2885C>A (p.Pro962His) results in a non-conservative amino acid change located in the Cation-transporting P-type ATPase, C-terminal domain (IPR006068) of the encoded protein sequence. Five of five in-silico tools predict a damaging effect of the variant on protein function. The variant allele was found at a frequency of 3.3e-05 in 150842 control chromosomes (gnomAD v3.1.2). The available data on variant occurrences in the general population are insufficient to allow any conclusion about variant significance. c.2885C>A has been reported in the literature in at least one individual affected with Alternating hemiplegia of childhood (Moya-Mendez_2021). This report does not provide unequivocal conclusions about association of the variant with ATP1A3-Related Disorders. To our knowledge, no experimental evidence demonstrating an impact on protein function has been reported. The following publication has been ascertained in the context of this evaluation (PMID: 34459253). Two ClinVar submitters have assessed the variant since 2014, and both classified the variant as uncertain significance. Based on the evidence outlined above, the variant was classified as uncertain significance.

Literature cited by the submitters: PubMed 34459253 (cited by Women's Health and Genetics/Laboratory Corporation of America, LabCorp).